The following is an entry in ClinVar:

ClinVar aggregate classification (germline): Uncertain significance (1 of 4 stars; one submission).

Conditions:
Inborn genetic diseases. Identifiers: MedGen C0950123, MeSH D030342.

Submission:

Ambry Genetics
Classification: Uncertain significance for Inborn genetic diseases. Last evaluated: 2020-05-06. Review status: criteria provided, single submitter. Criteria: Ambry Variant Classification Scheme 2023. Collection method: clinical testing. Allele origin: germline.
Comment: The alteration results in an amino acid change:_x000D_ _x000D_ The c.572T>G (p.M191R) alteration is located in coding exon 4 of the GRIA2 gene. This alteration results from a T to G substitution at nucleotide position 572, causing the methionine (M) at amino acid position 191 to be replaced by an arginine (R). The alteration is not observed in population databases:_x000D_ _x000D_ Based on data from the Genome Aggregation Database (gnomAD), the GRIA2 c.572T>G alteration was not observed, with coverage at this position. The altered amino acid is not conserved throughout evolution:_x000D_ _x000D_ The p.M191 amino acid is not conserved in available vertebrate species. The alteration is predicted tolerated by in silico modeling:_x000D_ _x000D_ The p.M191R alteration is predicted to be tolerated by in silico analysis. Based on insufficient or conflicting evidence, the clinical significance of this alteration remains unclear.

NM_001083619.3(GRIA2):c.572T>G (p.Met191Arg)

Gene: GRIA2 (glutamate ionotropic receptor AMPA type subunit 2; plus strand). Cytogenetic location: 4q32.1.
Variant type: single nucleotide variant.
Coding change: c.572T>G on transcript NM_001083619.3 (MANE Select); coding-DNA position 572, T replaced by G.
Protein change: p.Met191Arg; replaces methionine 191 with arginine.
Molecular consequence: missense variant.
Genome position (GRCh38, 1-based): chr4:157,312,781, T>G. VCF-style: chr4-157312781-T-G. GRCh37 (hg19) VCF-style: chr4-158233933-T-G.
Other names: c.572T>G, p.Met191Arg (NM_000826.6); c.431T>G, p.Met144Arg (NM_001083620.3, NM_001379000.3, NM_001379001.3); short protein forms M144R, M191R.
Identifiers: ClinVar variation 985838 (VCV000985838.4), dbSNP rs765597396, ClinGen allele CA358645742.